The following is an entry in ClinVar:

ClinVar aggregate classification (germline): Uncertain significance (1 of 4 stars; one submission).

Allele frequency attached by ClinVar (database versions not stated): gnomAD exomes below 0.00001.
gnomAD v4.1: 6 of 1,614,036 alleles (0.00037%); highest among the groups gnomAD compares: Non-Finnish European, 0.00051%; no homozygotes.

Submission:

GeneDx
Classification: Uncertain significance. Last evaluated: 2020-06-03. Review status: criteria provided, single submitter. Criteria: GeneDx Variant Classification Process June 2021. Collection method: clinical testing. Allele origin: germline. Affected: yes.
Comment: Not observed in large population cohorts (Lek et al., 2016); In silico analysis supports that this missense variant has a deleterious effect on protein structure/function; Has not been previously published as pathogenic or benign to our knowledge

NM_024408.4(NOTCH2):c.415G>C (p.Gly139Arg)

Gene: NOTCH2 (notch receptor 2; minus strand). Cytogenetic location: 1p12.
Variant type: single nucleotide variant.
Coding change: c.415G>C on transcript NM_024408.4 (MANE Select); coding-DNA position 415, G replaced by C.
Protein change: p.Gly139Arg; replaces glycine 139 with arginine.
Molecular consequence: missense variant.
Genome position (GRCh38, 1-based): chr1:120,005,329, C>G on the plus strand (G>C on the coding strand, the complement: NOTCH2 is on the minus strand). VCF-style: chr1-120005329-C-G. GRCh37 (hg19) VCF-style: chr1-120547952-C-G.
Other names: c.415G>C, p.Gly139Arg (NM_001200001.2); short protein forms G139R.
Identifiers: ClinVar variation 430528 (VCV000430528.4), dbSNP rs1131692007, ClinGen allele CA341848826.